The following is an entry in ClinVar:

ClinVar aggregate classification (germline): Benign. Review status: reviewed by expert panel (3 of 4 stars). 15 submissions from 15 submitters: Benign (1). 14 of the submissions do not count toward it. Last evaluated 2023-08-10.

Conditions:
Ovarian cancer. Also called: OVARIAN CANCER, SOMATIC. Identifiers: Orphanet 213500, MedGen C1140680, MONDO:0008170, OMIM 167000.
Familial cancer of breast. Also called: Hereditary breast cancer; hereditary breast carcinoma; BREAST CANCER, FAMILIAL. Identifiers: Orphanet 227535, MedGen C0346153, MONDO:0016419, OMIM 114480. Disease mechanism: loss of function.
CDH1-related diffuse gastric and lobular breast cancer syndrome. Also called: CDH1-related diffuse gastric and lobular breast cancer. Identifiers: MedGen CN311521, MONDO:0100488.
Hereditary cancer-predisposing syndrome. Also called: Neoplastic Syndromes, Hereditary; Hereditary Cancer Syndrome; Tumor predisposition; Hereditary neoplastic syndrome. Identifiers: Orphanet 140162, MedGen C0027672, MeSH D009386, MONDO:0015356.
Hereditary diffuse gastric adenocarcinoma (HDGC). Also called: DIFFUSE GASTRIC AND LOBULAR BREAST CANCER SYNDROME. Identifiers: Orphanet 26106, MedGen C1708349, MONDO:0007648, OMIM 137215.

Allele frequency attached by ClinVar (database versions not stated): gnomAD exomes 0.00002; gnomAD 0.00008 and 0.00009; TOPMed 0.00010; ExAC 0.00001.
gnomAD v4.1: 61 of 1,612,180 alleles (0.0038%); highest among the groups gnomAD compares: African/African-American, 0.036%; 1 homozygote.

Submissions (15):

Clingen Gastric Cancer Variant Curation Expert Panel
Classification: Benign for CDH1-related diffuse gastric and lobular breast cancer syndrome. Last evaluated: 2023-08-10. Review status: reviewed by expert panel. Criteria: ClinGen CDH1 ACMG Specifications V3.1. Collection method: curation. Allele origin: germline. Inheritance: Autosomal dominant inheritance.
Comment: The c.387+5G>A variant has been observed in >10 individuals without a diagnosis of diffuse gastric cancer, signet ring tumor or lobular breast cancer and whose family histories do not suggest HDGC (BS2; SCV000329224.7, SCV000288482.5, SCV000186607.5). This variant was also observed in the homozygous state in an individual without a personal and/or family history of diffuse gastric cancer, lobular breast cancer (BP2_Strong; SCV000288482.5). RNA studies demonstrated no abnormal splicing (BS3; PMID: 31642931). In summary, this variant meets criteria to be classified as benign. ACMG/AMP criteria applied, as specified by the CDH1 Variant Curation Expert Panel (Variant Interpretation Guidelines Version 3.1): BS2, BS3, BP2_Strong.

Women's Health and Genetics/Laboratory Corporation of America, LabCorp
Classification: Benign. Last evaluated: 2026-06-05. Review status: criteria provided, single submitter. Criteria: LabCorp Variant Classification Summary - May 2015. Collection method: clinical testing. Allele origin: germline. Not counted in ClinVar's aggregate classification.
Comment: Variant summary: CDH1 c.387+5G>A alters a nucleotide located close to a canonical splice site and therefore could affect mRNA splicing, leading to a significantly altered protein sequence. Consensus agreement among computation tools predict no significant impact on normal splicing. However, these predictions have yet to be confirmed by functional studies. The variant allele was found at a frequency of 3.8e-05 in 1612180 control chromosomes, predominantly at a frequency of 0.00036 within the African or African-American subpopulation in the gnomAD database. The observed variant frequency within African or African-American control individuals in the gnomAD database exceeds the estimated maximal expected allele frequency for disease-causing variants in CDH1. c.387+5G>A has been observed in one individual affected with Nonsyndromic Cleft Lip with or without Cleft Palate (Brito_2015). These report does not provide unequivocal conclusions about association of the variant with disease. To our knowledge, no experimental evidence demonstrating an impact on protein function has been reported. The following publications have been ascertained in the context of this evaluation (PMID: 26123647, 31642931). ClinVar contains an entry for this variant (Variation ID: 142462). Based on the evidence outlined above, the variant was classified as benign.

Labcorp Genetics (formerly Invitae), Labcorp
Classification: Benign for Hereditary diffuse gastric adenocarcinoma. Last evaluated: 2026-02-02. Review status: criteria provided, single submitter. Criteria: Invitae Variant Classification Sherloc (09022015). Collection method: clinical testing. Allele origin: germline. Not counted in ClinVar's aggregate classification.

Blueprint Genetics
Classification: Likely benign. Last evaluated: 2024-11-25. Review status: criteria provided, single submitter. Criteria: ACMG Guidelines, 2015. Collection method: clinical testing. Allele origin: germline. Not counted in ClinVar's aggregate classification.

Mendelics
Classification: Benign for Hereditary diffuse gastric adenocarcinoma. Last evaluated: 2023-08-22. Review status: criteria provided, single submitter. Criteria: Mendelics Assertion Criteria 2019. Collection method: clinical testing. Allele origin: germline. Not counted in ClinVar's aggregate classification.

Quest Diagnostics Nichols Institute San Juan Capistrano
Classification: Benign. Last evaluated: 2023-05-11. Review status: criteria provided, single submitter. Criteria: Quest Diagnostics criteria. Collection method: clinical testing. Allele origin: unknown. Not counted in ClinVar's aggregate classification.

Myriad Genetics, Inc.
Classification: Uncertain significance for Hereditary diffuse gastric adenocarcinoma. Last evaluated: 2023-03-06. Review status: criteria provided, single submitter. Criteria: Myriad Autosomal Dominant, Autosomal Recessive and X-Linked Classification Criteria (2023). Collection method: clinical testing. Allele origin: unknown. Not counted in ClinVar's aggregate classification.
Comment: This variant is classified as a variant of uncertain significance as there is insufficient evidence to determine its impact on protein function and/or cancer risk.

Department of Pathology and Laboratory Medicine, Sinai Health System
Classification: Likely benign for Familial cancer of breast; Ovarian cancer. Last evaluated: 2023-01-03. Review status: criteria provided, single submitter. Criteria: ACMG Guidelines, 2015. Collection method: clinical testing. Allele origin: germline. Affected: yes. Not counted in ClinVar's aggregate classification.

European Reference Network on Genetic Tumour Risk Syndromes (ERN-GENTURIS), i3s - Instituto de Investigação e Inovação em Saúde, University of Porto
Classification: Benign for Hereditary diffuse gastric adenocarcinoma. Last evaluated: 2022-08-01. Review status: criteria provided, single submitter. Criteria: Lee et al. (Hum Mutat. 2018). Collection method: clinical testing. Allele origin: germline. Inheritance: Autosomal dominant inheritance. Affected: no. Study: ERN GENTURIS. Not counted in ClinVar's aggregate classification.
Comment: BS2; BS3; BP2_Strong (PMID: 30311375)

Sema4
Classification: Benign for Hereditary cancer-predisposing syndrome. Last evaluated: 2021-08-17. Review status: criteria provided, single submitter. Criteria: Sema4 Curation Guidelines. Collection method: curation. Allele origin: germline. Not counted in ClinVar's aggregate classification.

Color Diagnostics, LLC DBA Color Health
Classification: Likely benign for Hereditary cancer-predisposing syndrome. Last evaluated: 2021-07-26. Review status: criteria provided, single submitter. Criteria: ACMG Guidelines, 2015. Collection method: clinical testing. Allele origin: germline. Not counted in ClinVar's aggregate classification.

GeneDx
Classification: Likely benign. Last evaluated: 2020-08-25. Review status: criteria provided, single submitter. Criteria: GeneDx Variant Classification Process June 2021. Collection method: clinical testing. Allele origin: germline. Affected: yes. Not counted in ClinVar's aggregate classification.
Comment: In-silico analysis, which includes splice predictors and evolutionary conservation, is inconclusive as to whether the variant alters gene splicing. In the absence of RNA/functional studies, the actual effect of this sequence change is unknown.; Published functional studies demonstrate no damaging effect: no aberrant splicing observed (Karam 2019); Identified in an individual with nonsyndromic cleft lip and palate (Brito 2015); This variant is associated with the following publications: (PMID: 31638429, 31642931, 30661051, 26123647)

Ambry Genetics
Classification: Likely benign for Hereditary cancer-predisposing syndrome. Last evaluated: 2018-11-24. Review status: criteria provided, single submitter. Criteria: Ambry Variant Classification Scheme 2023. Collection method: clinical testing. Allele origin: germline. Not counted in ClinVar's aggregate classification.

Genetic Services Laboratory, University of Chicago
Classification: Likely benign. Last evaluated: 2022-08-22. Review status: no assertion criteria provided. Collection method: clinical testing. Allele origin: germline. Affected: no. Not counted in ClinVar's aggregate classification.

Counsyl
Classification: Uncertain significance for Hereditary diffuse gastric adenocarcinoma. Last evaluated: 2015-11-21. Review status: no assertion criteria provided. Collection method: clinical testing. Allele origin: unknown. Not counted in ClinVar's aggregate classification.

Literature cited by the submitters: PubMed 31642931 (cited by 4 submitters); PubMed 26123647 (cited by 5 submitters); PubMed 35264596 (cited by Quest Diagnostics Nichols Institute San Juan Capistrano); PubMed 36436516 (cited by European Reference Network on Genetic Tumour Risk Syndromes (ERN-GENTURIS), i3s - Instituto de Investigação e Inovação em Saúde, University of Porto).

NM_004360.5(CDH1):c.387+5G>A

Gene: CDH1 (cadherin 1; plus strand). Cytogenetic location: 16q22.1.
Variant type: single nucleotide variant.
Coding change: c.387+5G>A on transcript NM_004360.5 (MANE Select); 5 bases into the intron after coding-DNA position 387, G replaced by A.
Molecular consequence: intron variant.
Genome position (GRCh38, 1-based): chr16:68,801,898, G>A. VCF-style: chr16-68801898-G-A. GRCh37 (hg19) VCF-style: chr16-68835801-G-A.
Other names: c.-1229+5G>A (NM_001317185.2); c.-1433+5G>A (NM_001317186.2); c.387+5G>A (NM_001317184.2).
Identifiers: ClinVar variation 142462 (VCV000142462.38), dbSNP rs113055163, ClinGen allele CA168422.